The following is an entry in ClinVar:

NM_000138.5(FBN1):c.7832G>A (p.Cys2611Tyr)

Gene: FBN1 (fibrillin 1; minus strand). Cytogenetic location: 15q21.1.
Variant type: single nucleotide variant.
Coding change: c.7832G>A on transcript NM_000138.5 (MANE Select); coding-DNA position 7832, G replaced by A.
Protein change: p.Cys2611Tyr; replaces cysteine 2611 with tyrosine.
Molecular consequence: missense variant.
Genome position (GRCh38, 1-based): chr15:48,415,755, C>T on the plus strand (G>A on the coding strand, the complement: FBN1 is on the minus strand). VCF-style: chr15-48415755-C-T. GRCh37 (hg19) VCF-style: chr15-48707952-C-T.
Other names: p.C2611Y:TGC>TAC; short protein forms C2611Y.
Identifiers: ClinVar variation 200199 (VCV000200199.15), dbSNP rs794728337, ClinGen allele CA017404.

ClinVar aggregate classification (germline): Pathogenic/Likely pathogenic. Review status: criteria provided, multiple submitters, no conflicts (2 of 4 stars). 3 submissions from 3 submitters: Pathogenic (2); Likely pathogenic (1). Last evaluated 2024-11-18.

Conditions:
Marfan syndrome (MFS). Also called: MARFAN SYNDROME, TYPE I; FBN1-Related Marfan Syndrome; Marfan syndrome, classic; Marfan syndrome type 1; Marfan's syndrome. Identifiers: Orphanet 284963, Orphanet 558, MedGen C0024796, MONDO:0007947, OMIM 154700.
Familial thoracic aortic aneurysm and aortic dissection (TAAD). Also called: Thoracic aortic aneurysms and dissections. Identifiers: Orphanet 91387, MedGen C4707243, MONDO:0019625.

Submissions (3):

Ambry Genetics
Classification: Likely pathogenic for Familial thoracic aortic aneurysm and aortic dissection. Last evaluated: 2024-11-18. Review status: criteria provided, single submitter. Criteria: Ambry Variant Classification Scheme 2023. Collection method: clinical testing. Allele origin: germline.
Comment: The p.C2611Y variant (also known as c.7832G>A), located in coding exon 63 of the FBN1 gene, results from a G to A substitution at nucleotide position 7832. The cysteine at codon 2611 is replaced by tyrosine, an amino acid with highly dissimilar properties. The majority of FBN1 mutations identified to date have involved the substitution or generation of cysteine residues within cbEGF domains (Vollbrandt T et al. J Biol Chem. 2004;279(31):32924-32931). This variant has been reported in an individual with a clinical diagnosis of Marfan syndrome (Baudhuin LM et al. J Hum Genet, 2015 May;60:241-52). Internal structural analysis indicates this alteration eliminates a disulfide bond critical for the structural integrity of the cbEGF42 domain (Ambry internal data). This variant is considered to be rare based on population cohorts in the Genome Aggregation Database (gnomAD). This amino acid position is highly conserved in available vertebrate species. In addition, this alteration is predicted to be deleterious by in silico analysis. Based on the majority of available evidence to date, this variant is likely to be pathogenic.

GeneDx
Classification: Pathogenic. Last evaluated: 2020-08-26. Review status: criteria provided, single submitter. Criteria: GeneDx Variant Classification Process June 2021. Collection method: clinical testing. Allele origin: germline. Affected: yes.
Comment: Not observed in large population cohorts (Lek et al., 2016); In silico analysis supports that this missense variant has a deleterious effect on protein structure/function; Affects a cysteine residue within a calcium-binding EGF-like domain of the FBN1 gene, which may affect disulfide bonding and is predicted to alter the structure and function of the protein; cysteine substitutions in the calcium-binding EGF-like domains represent the majority of pathogenic missense changes associated with FBN1-related disorders (Collod-Beroud et al., 2003); Reported in ClinVar (ClinVar Variant ID#200199; Landrum et al., 2016); This variant is associated with the following publications: (PMID: 25652356)

Labcorp Genetics (formerly Invitae), Labcorp
Classification: Pathogenic for Marfan syndrome; Familial thoracic aortic aneurysm and aortic dissection. Last evaluated: 2020-03-22. Review status: criteria provided, single submitter. Criteria: Invitae Variant Classification Sherloc (09022015). Collection method: clinical testing. Allele origin: germline.
Comment: This sequence change replaces cysteine with tyrosine at codon 2611 of the FBN1 protein (p.Cys2611Tyr). The cysteine residue is highly conserved and there is a large physicochemical difference between cysteine and tyrosine. This variant is not present in population databases (ExAC no frequency). For these reasons, this variant has been classified as Pathogenic. This variant affects a cysteine residue in the EGF-like, TGFBP or hybrid motif domains of FBN1. Cysteine residues are believed to be involved in intramolecular disulfide bridges and have been shown to be important for FBN1 protein structure (PMID: 16905551, 19349279). In addition, missense substitutions affecting cysteine residues within these domains are significantly overrepresented among patients with Marfan syndrome (PMID: 16571647, 17701892). This variant disrupts the p.Cys2611 amino acid residue in FBN1. Other variant(s) that disrupt this residue have been observed in individuals with FBN1-related conditions (PMID: 27724990), which suggests that this may be a clinically significant amino acid residue. This variant has been observed in an individual affected with Marfan syndrome (PMID: 25652356). ClinVar contains an entry for this variant (Variation ID: 200199).

Literature cited by the submitters: PubMed 25652356 (cited by Ambry Genetics and Labcorp Genetics (formerly Invitae), Labcorp); PubMed 16905551 (cited by Labcorp Genetics (formerly Invitae), Labcorp); PubMed 19349279 (cited by Labcorp Genetics (formerly Invitae), Labcorp); PubMed 16571647 (cited by Labcorp Genetics (formerly Invitae), Labcorp); PubMed 17701892 (cited by Labcorp Genetics (formerly Invitae), Labcorp); PubMed 27724990 (cited by Labcorp Genetics (formerly Invitae), Labcorp).